The following is an entry in ClinVar:

ClinVar aggregate classification (germline): Uncertain significance (1 of 4 stars; one submission).

Allele frequency attached by ClinVar (database versions not stated): gnomAD exomes below 0.00001.
gnomAD v4.1: 1 of 1,614,222 alleles (0.000062%); highest among the groups gnomAD compares: Non-Finnish European, 0.000085%; no homozygotes.

Submission:

Labcorp Genetics (formerly Invitae), Labcorp
Classification: Uncertain significance. Last evaluated: 2022-05-05. Review status: criteria provided, single submitter. Criteria: Invitae Variant Classification Sherloc (09022015). Collection method: clinical testing. Allele origin: germline.
Comment: Algorithms developed to predict the effect of missense changes on protein structure and function (SIFT, PolyPhen-2, Align-GVGD) all suggest that this variant is likely to be disruptive. In summary, the available evidence is currently insufficient to determine the role of this variant in disease. Therefore, it has been classified as a Variant of Uncertain Significance. This missense change has been observed in individual(s) with clinical features of ABHD5-related conditions (Invitae). This variant is not present in population databases (gnomAD no frequency). This sequence change replaces glycine, which is neutral and non-polar, with arginine, which is basic and polar, at codon 155 of the ABHD5 protein (p.Gly155Arg).

NM_016006.6(ABHD5):c.463G>C (p.Gly155Arg)

Gene: ABHD5 (abhydrolase domain containing 5, lysophosphatidic acid acyltransferase; plus strand). Cytogenetic location: 3p21.33.
Variant type: single nucleotide variant.
Coding change: c.463G>C on transcript NM_016006.6 (MANE Select); coding-DNA position 463, G replaced by C.
Protein change: p.Gly155Arg; replaces glycine 155 with arginine.
Molecular consequence: missense variant. On other transcripts: non-coding transcript variant (1).
Genome position (GRCh38, 1-based): chr3:43,702,544, G>C. VCF-style: chr3-43702544-G-C. GRCh37 (hg19) VCF-style: chr3-43744036-G-C.
Other names: c.463G>C, p.Gly155Arg (NM_001355186.2, NM_001365650.1); c.340G>C, p.Gly114Arg (NM_001365649.1); short protein forms G114R, G155R.
Identifiers: ClinVar variation 2095972 (VCV002095972.4), dbSNP rs2528738325, ClinGen allele CA352346148.
Genomic context (GRCh38, chr3:43,702,544, plus strand): 5'-ATTGAAGAGTGGAGATGTGCCCTAGGATTGGACAAAATGATCTTGCTTGGGCACAACCTA[G>C]GTGGATTCTTGGCTGCTGCTTACTCGCTGAAGTACCCATCAAGGTAAGTGGTGGTGACAG-3'
Protein context (NP_057090.2, residues 145-165): DKMILLGHNL[Gly155Arg]GFLAAAYSLK